The following is an entry in ClinVar:

NM_000719.7(CACNA1C):c.3712A>G (p.Met1238Val)

Gene: CACNA1C (calcium voltage-gated channel subunit alpha1 C; plus strand). Cytogenetic location: 12p13.33.
Variant type: single nucleotide variant.
Coding change: c.3712A>G on transcript NM_000719.7 (MANE Select); coding-DNA position 3712, A replaced by G.
Protein change: p.Met1238Val; replaces methionine 1238 with valine.
Molecular consequence: missense variant.
Genome position (GRCh38, 1-based): chr12:2,610,694, A>G. VCF-style: chr12-2610694-A-G. GRCh37 (hg19) VCF-style: chr12-2719860-A-G.
Other names: c.3712A>G, p.Met1238Val (NM_001129842.2, NM_001129843.2, NM_001167623.2 and 15 more transcripts); c.3703A>G, p.Met1235Val (NM_001129844.2); c.3772A>G, p.Met1258Val (NM_199460.4, NM_001129827.2, NM_001129832.2); c.3712A>G (NM_000719.6); short protein forms M1235V, M1238V, M1258V.
Identifiers: ClinVar variation 1284537 (VCV001284537.4), dbSNP rs2077233710, ClinGen allele CA383376857.

ClinVar aggregate classification (germline): Uncertain significance. Review status: criteria provided, multiple submitters, no conflicts (2 of 4 stars). 4 submissions from 4 submitters: Uncertain significance (2). 2 of the submissions do not count toward it. Last evaluated 2025-12-29.

Conditions:
Cardiovascular phenotype. Identifiers: MedGen CN230736.

Allele frequency attached by ClinVar (database versions not stated): gnomAD exomes below 0.00001; TOPMed below 0.00001.

Submissions (4):

Ambry Genetics
Classification: Uncertain significance for Cardiovascular phenotype. Last evaluated: 2025-12-29. Review status: criteria provided, single submitter. Criteria: Ambry Variant Classification Scheme 2023. Collection method: clinical testing. Allele origin: germline.
Comment: The p.M1238V variant (also known as c.3712A>G), located in coding exon 28 of the CACNA1C gene, results from an A to G substitution at nucleotide position 3712. The methionine at codon 1238 is replaced by valine, an amino acid with highly similar properties. This amino acid position is highly conserved in available vertebrate species. In addition, this alteration is predicted to be deleterious by in silico analysis. Based on the available evidence, the clinical significance of this variant remains unclear.

Blueprint Genetics
Classification: Uncertain significance. Last evaluated: 2023-09-25. Review status: criteria provided, single submitter. Criteria: ACMG Guidelines, 2015. Collection method: clinical testing. Allele origin: germline.

Clinical Genetics, Academic Medical Center
Classification: Uncertain significance. Review status: no assertion criteria provided. Collection method: clinical testing. Allele origin: germline. Affected: yes. Study: VKGL Data-share Consensus. Not counted in ClinVar's aggregate classification.

Genome Diagnostics Laboratory, University Medical Center Utrecht
Classification: Uncertain significance. Review status: no assertion criteria provided. Collection method: clinical testing. Allele origin: germline. Affected: yes. Study: VKGL Data-share Consensus. Not counted in ClinVar's aggregate classification.